The following is an entry in ClinVar:

ClinVar aggregate classification (germline): Conflicting classifications of pathogenicity. Review status: criteria provided, conflicting classifications (1 of 4 stars). 2 submissions from 2 submitters: Likely pathogenic (1); Uncertain significance (1). Last evaluated 2024-09-18.

Conditions:
Familial hypocalciuric hypercalcemia (FHH). Also called: Familial benign hypercalcemia. Identifiers: Orphanet 405, MedGen C1809471, MONDO:0018458.
Autosomal dominant hypocalcemia 1 (HYPOC1). Also called: HYPOCALCEMIA, FAMILIAL. Identifiers: MedGen C3715128, MONDO:0011013, OMIM 601198.
CASR-related disorder. Also called: CASR-related condition.

Submissions (2):

Blueprint Genetics
Classification: Likely pathogenic for CASR-related disorders. Last evaluated: 2024-09-18. Review status: criteria provided, single submitter. Criteria: ACMG Guidelines, 2015. Collection method: clinical testing. Allele origin: germline. Affected: yes. Observed: 1 variant allele.

Labcorp Genetics (formerly Invitae), Labcorp
Classification: Uncertain significance for Familial hypocalciuric hypercalcemia; Autosomal dominant hypocalcemia 1. Last evaluated: 2021-04-05. Review status: criteria provided, single submitter. Criteria: Invitae Variant Classification Sherloc (09022015). Collection method: clinical testing. Allele origin: germline.
Comment: This variant has been observed in an individual affected with familial hypocalciuric hypercalcaemia (FHH) (PMID: 22422767). ClinVar contains an entry for this variant (Variation ID: 861428). This variant is not present in population databases (ExAC no frequency). This sequence change replaces glycine with glutamic acid at codon 158 of the CASR protein (p.Gly158Glu). The glycine residue is highly conserved and there is a moderate physicochemical difference between glycine and glutamic acid. Algorithms developed to predict the effect of missense changes on protein structure and function are either unavailable or do not agree on the potential impact of this missense change (SIFT: "Deleterious"; PolyPhen-2: "Probably Damaging"; Align-GVGD: "Class C15"). In summary, the available evidence is currently insufficient to determine the role of this variant in disease. Therefore, it has been classified as a Variant of Uncertain Significance.

Literature cited by the submitters: PubMed 22422767 (cited by Labcorp Genetics (formerly Invitae), Labcorp).

NM_000388.4(CASR):c.473G>A (p.Gly158Glu)

Gene: CASR (calcium sensing receptor; plus strand). Cytogenetic location: 3q21.1.
Variant type: single nucleotide variant.
Coding change: c.473G>A on transcript NM_000388.4 (MANE Select); coding-DNA position 473, G replaced by A.
Protein change: p.Gly158Glu; replaces glycine 158 with glutamic acid.
Molecular consequence: missense variant.
Genome position (GRCh38, 1-based): chr3:122,257,368, G>A. VCF-style: chr3-122257368-G-A. GRCh37 (hg19) VCF-style: chr3-121976215-G-A.
Other names: c.473G>A, p.Gly158Glu (NM_001178065.2); short protein forms G158E.
Identifiers: ClinVar variation 861428 (VCV000861428.11), dbSNP rs2074566747, ClinGen allele CA354362964.
Genomic context (GRCh38, chr3:122,257,368, plus strand): 5'-CGATTGCTGTGGTGGGAGCAACTGGCTCAGGCGTCTCCACGGCAGTGGCAAATCTGCTGG[G>A]GCTCTTCTACATTCCCCAGGTACTCAAGCCTTCTCAGGCGGGGCACTGGGAGCAGGATCA-3'
Protein context (NP_000379.3, residues 148-168): GVSTAVANLL[Gly158Glu]LFYIPQVSYA